The following is an entry in ClinVar:

NM_000260.4(MYO7A):c.2119C>T (p.Arg707Cys)

Gene: MYO7A (myosin VIIA; plus strand). Cytogenetic location: 11q13.5.
Variant type: single nucleotide variant.
Coding change: c.2119C>T on transcript NM_000260.4 (MANE Select); coding-DNA position 2119, C replaced by T.
Protein change: p.Arg707Cys; replaces arginine 707 with cysteine.
Molecular consequence: missense variant.
Genome position (GRCh38, 1-based): chr11:77,175,396, C>T. VCF-style: chr11-77175396-C-T. GRCh37 (hg19) VCF-style: chr11-76886442-C-T.
Other names: c.2119C>T, p.Arg707Cys (NM_001127180.2); c.2086C>T, p.Arg696Cys (NM_001369365.1); c.2119C>T (NM_000260.3); short protein forms R696C, R707C.
Identifiers: ClinVar variation 2160440 (VCV002160440.3), dbSNP rs190624231, ClinGen allele CA6197714.

ClinVar aggregate classification (germline): Uncertain significance. Review status: criteria provided, multiple submitters, no conflicts (2 of 4 stars). 2 submissions from 2 submitters: Uncertain significance (2). Last evaluated 2025-06-07.

Conditions:
Inborn genetic diseases. Identifiers: MedGen C0950123, MeSH D030342.

Allele frequency attached by ClinVar (database versions not stated): gnomAD 0.00001; TOPMed 0.00001; 1000 Genomes Project 0.00020; 1000 Genomes Project 30x 0.00016; ExAC 0.00001.
gnomAD v4.1: 53 of 1,613,258 alleles (0.0033%); highest among the groups gnomAD compares: Non-Finnish European, 0.0041%; no homozygotes.

Submissions (2):

Ambry Genetics
Classification: Uncertain significance for Inborn genetic diseases. Last evaluated: 2025-06-07. Review status: criteria provided, single submitter. Criteria: Ambry Variant Classification Scheme 2023. Collection method: clinical testing. Allele origin: germline.

Labcorp Genetics (formerly Invitae), Labcorp
Classification: Uncertain significance. Last evaluated: 2024-06-30. Review status: criteria provided, single submitter. Criteria: Invitae Variant Classification Sherloc (09022015). Collection method: clinical testing. Allele origin: germline.
Comment: This sequence change replaces arginine, which is basic and polar, with cysteine, which is neutral and slightly polar, at codon 707 of the MYO7A protein (p.Arg707Cys). This variant is present in population databases (rs190624231, gnomAD 0.005%). This variant has not been reported in the literature in individuals affected with MYO7A-related conditions. ClinVar contains an entry for this variant (Variation ID: 2160440). Advanced modeling of protein sequence and biophysical properties (such as structural, functional, and spatial information, amino acid conservation, physicochemical variation, residue mobility, and thermodynamic stability) performed at Invitae indicates that this missense variant is not expected to disrupt MYO7A protein function with a negative predictive value of 95%. In summary, the available evidence is currently insufficient to determine the role of this variant in disease. Therefore, it has been classified as a Variant of Uncertain Significance.